The following is an entry in ClinVar:

ClinVar aggregate classification (germline): Likely benign (0 of 4 stars; one submission).

Conditions:
FLG-related disorder. Also called: FLG-related disorders; FLG-related condition.

Allele frequency attached by ClinVar (database versions not stated): gnomAD 0.00001; TOPMed 0.00003; ExAC 0.00012; ESP Exome Variant Server 0.00015.
gnomAD v4.1: 75 of 1,614,000 alleles (0.0046%); highest among the groups gnomAD compares: South Asian, 0.066%; 1 homozygote.

Submission:

PreventionGenetics, part of Exact Sciences
Classification: Likely benign for FLG-related condition. Last evaluated: 2023-01-08. Review status: no assertion criteria provided. Collection method: clinical testing. Allele origin: germline.
Comment: This variant is classified as likely benign based on ACMG/AMP sequence variant interpretation guidelines (Richards et al. 2015 PMID: 25741868, with internal and published modifications).

NM_002016.2(FLG):c.1080C>T (p.His360=)

Genes: CCDST (cervical cancer associated DHX9 suppressive transcript; plus strand), FLG (filaggrin; minus strand). Cytogenetic location: 1q21.3.
Variant type: single nucleotide variant.
Coding change: c.1080C>T on transcript NM_002016.2 (MANE Select); coding-DNA position 1080, C replaced by T.
Protein change: p.His360=; no amino-acid change (histidine 360 retained).
Molecular consequence: synonymous variant. On other transcripts: non-coding transcript variant (1).
Genome position (GRCh38, 1-based): chr1:152,313,806, G>A on the plus strand (C>T on the coding strand, the complement: FLG is on the minus strand). VCF-style: chr1-152313806-G-A. GRCh37 (hg19) VCF-style: chr1-152286282-G-A.
Identifiers: ClinVar variation 3047951 (VCV003047951.2), dbSNP rs375783519, ClinGen allele CA1107799.